The following is an entry in ClinVar:

NM_138694.4(PKHD1):c.7253_7254del (p.Lys2418fs)

Gene: PKHD1 (PKHD1 ciliary IPT domain containing fibrocystin/polyductin; minus strand). Cytogenetic location: 6p12.2.
Variant type: Deletion.
Coding change: c.7253_7254del on transcript NM_138694.4 (MANE Select); coding-DNA positions 7253 to 7254, 2 bases deleted (AA; older notation c.7253_7254delAA).
Protein change: p.Lys2418fs; shifts the reading frame from lysine 2418.
Molecular consequence: frameshift variant.
Genome position (GRCh38, 1-based): chr6:51,883,189-51,883,190, TT deleted on the plus strand (AA on the coding strand, the reverse complement: PKHD1 is on the minus strand); deleting any 2 consecutive bases within chr6:51,883,189-51,883,191 gives the same sequence; the c. name uses the placement nearest the transcript's 3' end. VCF-style (leftmost placement, unchanged base first): chr6-51883188-CTT-C. GRCh37 (hg19) VCF-style: chr6-51747986-CTT-C.
Other names: c.7253_7254del, p.Lys2418fs (NM_170724.3); short protein forms K2418fs.
Identifiers: ClinVar variation 2003205 (VCV002003205.4), dbSNP rs2536181478, ClinGen allele CA2580075452.

ClinVar aggregate classification (germline): Pathogenic (1 of 4 stars; one submission).

Conditions:
Autosomal recessive polycystic kidney disease (ARPKD). Also called: AR polycystic kidney disease. Identifiers: Orphanet 731, Orphanet 8378, MedGen C0085548, MeSH D017044, MONDO:0009889.

Submission:

Labcorp Genetics (formerly Invitae), Labcorp
Classification: Pathogenic for Autosomal recessive polycystic kidney disease. Last evaluated: 2022-07-04. Review status: criteria provided, single submitter. Criteria: Invitae Variant Classification Sherloc (09022015). Collection method: clinical testing. Allele origin: germline.
Comment: For these reasons, this variant has been classified as Pathogenic. This variant has not been reported in the literature in individuals affected with PKHD1-related conditions. This variant is not present in population databases (gnomAD no frequency). This sequence change creates a premature translational stop signal (p.Lys2418Serfs*10) in the PKHD1 gene. It is expected to result in an absent or disrupted protein product. Loss-of-function variants in PKHD1 are known to be pathogenic (PMID: 19940839).

Literature cited by the submitters: PubMed 19940839.